The following is an entry in ClinVar:

ClinVar aggregate classification (germline): Conflicting classifications of pathogenicity. Review status: criteria provided, conflicting classifications (1 of 4 stars). 2 submissions from 2 submitters: Uncertain significance (1); Likely benign (1). Last evaluated 2023-04-10.

Conditions:
Inborn genetic diseases. Identifiers: MedGen C0950123, MeSH D030342.

Allele frequency attached by ClinVar (database versions not stated): ExAC 0.00005; ESP Exome Variant Server 0.00008; gnomAD 0.00010.
gnomAD v4.1: 120 of 1,612,854 alleles (0.0074%); highest among the groups gnomAD compares: Non-Finnish European, 0.0095%; no homozygotes.

Submissions (2):

Labcorp Genetics (formerly Invitae), Labcorp
Classification: Uncertain significance. Last evaluated: 2023-04-10. Review status: criteria provided, single submitter. Criteria: Invitae Variant Classification Sherloc (09022015). Collection method: clinical testing. Allele origin: germline.
Comment: Advanced modeling of protein sequence and biophysical properties (such as structural, functional, and spatial information, amino acid conservation, physicochemical variation, residue mobility, and thermodynamic stability) performed at Invitae indicates that this missense variant is not expected to disrupt PCK1 protein function. This variant has not been reported in the literature in individuals affected with PCK1-related conditions. This variant is present in population databases (rs200152114, gnomAD 0.009%). This sequence change replaces isoleucine, which is neutral and non-polar, with valine, which is neutral and non-polar, at codon 65 of the PCK1 protein (p.Ile65Val). In summary, the available evidence is currently insufficient to determine the role of this variant in disease. Therefore, it has been classified as a Variant of Uncertain Significance.

Ambry Genetics
Classification: Likely benign for Inborn genetic diseases. Last evaluated: 2022-05-04. Review status: criteria provided, single submitter. Criteria: Ambry Variant Classification Scheme 2023. Collection method: clinical testing. Allele origin: germline.

NM_002591.4(PCK1):c.193A>G (p.Ile65Val)

Gene: PCK1 (phosphoenolpyruvate carboxykinase 1; plus strand). Cytogenetic location: 20q13.31.
Variant type: single nucleotide variant.
Coding change: c.193A>G on transcript NM_002591.4 (MANE Select); coding-DNA position 193, A replaced by G.
Protein change: p.Ile65Val; replaces isoleucine 65 with valine.
Molecular consequence: missense variant.
Genome position (GRCh38, 1-based): chr20:57,561,604, A>G. VCF-style: chr20-57561604-A-G. GRCh37 (hg19) VCF-style: chr20-56136660-A-G.
Other names: c.193A>G (NM_002591.3); short protein forms I65V.
Identifiers: ClinVar variation 2730183 (VCV002730183.4), dbSNP rs200152114, ClinGen allele CA9921913.